The following is an entry in ClinVar:

NM_006005.3(WFS1):c.1756G>A (p.Ala586Thr)

Gene: WFS1 (wolframin ER transmembrane glycoprotein; plus strand). Cytogenetic location: 4p16.1.
Variant type: single nucleotide variant.
Coding change: c.1756G>A on transcript NM_006005.3 (MANE Select); coding-DNA position 1756, G replaced by A.
Protein change: p.Ala586Thr; replaces alanine 586 with threonine.
Molecular consequence: missense variant.
Genome position (GRCh38, 1-based): chr4:6,301,551, G>A. VCF-style: chr4-6301551-G-A. GRCh37 (hg19) VCF-style: chr4-6303278-G-A.
Other names: c.1756G>A, p.Ala586Thr (NM_001145853.1); short protein forms A586T.
Identifiers: ClinVar variation 2577827 (VCV002577827.6), dbSNP rs143084511, ClinGen allele CA2839476.

ClinVar aggregate classification (germline): Uncertain significance. Review status: criteria provided, multiple submitters, no conflicts (2 of 4 stars). 3 submissions from 3 submitters: Uncertain significance (3). Last evaluated 2026-05-06.

Conditions:
Type 2 diabetes mellitus. Also called: Type II diabetes mellitus. Identifiers: MedGen C0011860, MeSH D003924, MONDO:0005148, OMIM 125853, HP:0005978.
Autosomal dominant nonsyndromic hearing loss 6 (LFSNHL). Also called: DEAFNESS, AUTOSOMAL DOMINANT 6; DEAFNESS, AUTOSOMAL DOMINANT 14; DEAFNESS, AUTOSOMAL DOMINANT 38; Autosomal dominant nonsyndromic deafness 6. Identifiers: Orphanet 90635, MedGen C1833021, MONDO:0010963, OMIM 600965.
Wolfram syndrome 1 (WFS1). Identifiers: Orphanet 3463, MedGen C4551693, MONDO:0009101, OMIM 222300.
Wolfram-like syndrome. Also called: HEARING LOSS, PROGRESSIVE, WITH OPTIC ATROPHY AND/OR IMPAIRED GLUCOSE REGULATION. Identifiers: Orphanet 411590, MedGen C3280358, MONDO:0013673, OMIM 614296.
Cataract 41 (CTRCT41). Also called: CATARACT 41, CONGENITAL NUCLEAR TYPE. Identifiers: Orphanet 91492, Orphanet 98991, Orphanet 98992, Orphanet 98995, MedGen C3805412, MONDO:0007287, OMIM 116400.

Allele frequency attached by ClinVar (database versions not stated): ExAC 0.00002; gnomAD 0.00007; 1000 Genomes Project 30x 0.00016; 1000 Genomes Project 0.00020.

Submissions (3):

GeneDx
Classification: Uncertain significance. Last evaluated: 2026-05-06. Review status: criteria provided, single submitter. Criteria: GeneDx Variant Classification Process June 2021. Collection method: clinical testing. Allele origin: germline.
Comment: Reported in the heterozygous state in a patient with cognitive impairment and abnormal brain imaging in published literature (PMID: 36816038); In silico analysis suggests that this missense variant does not alter protein structure/function; This variant is associated with the following publications: (PMID: 11244483, 36816038)

Labcorp Genetics (formerly Invitae), Labcorp
Classification: Uncertain significance. Last evaluated: 2025-11-10. Review status: criteria provided, single submitter. Criteria: Invitae Variant Classification Sherloc (09022015). Collection method: clinical testing. Allele origin: germline.
Comment: This sequence change replaces alanine, which is neutral and non-polar, with threonine, which is neutral and polar, at codon 586 of the WFS1 protein (p.Ala586Thr). This variant is present in population databases (rs143084511, gnomAD 0.01%). This variant has not been reported in the literature in individuals affected with WFS1-related conditions. ClinVar contains an entry for this variant (Variation ID: 2577827). Invitae Evidence Modeling of protein sequence and biophysical properties (such as structural, functional, and spatial information, amino acid conservation, physicochemical variation, residue mobility, and thermodynamic stability) indicates that this missense variant is not expected to disrupt WFS1 protein function with a negative predictive value of 80%. In summary, the available evidence is currently insufficient to determine the role of this variant in disease. Therefore, it has been classified as a Variant of Uncertain Significance.

Fulgent Genetics
Classification: Uncertain significance for Cataract 41; Type 2 diabetes mellitus; Wolfram syndrome 1; Autosomal dominant nonsyndromic hearing loss 6; Wolfram-like syndrome. Last evaluated: 2024-02-01. Review status: criteria provided, single submitter. Criteria: ACMG Guidelines, 2015. Collection method: clinical testing. Allele origin: germline.